The following is an entry in ClinVar:

ClinVar aggregate classification (germline): Likely benign (1 of 4 stars; one submission).

Allele frequency attached by ClinVar (database versions not stated): 1000 Genomes Project 30x 0.00109; 1000 Genomes Project 0.00120; TOPMed 0.00194; ESP Exome Variant Server 0.00215; gnomAD 0.00281; ExAC 0.00315; gnomAD exomes 0.00338.
gnomAD v4.1: 5,313 of 1,611,186 alleles (0.33%); highest among the groups gnomAD compares: South Asian, 0.37%; 17 homozygotes.

Submission:

CeGaT Center for Human Genetics Tuebingen
Classification: Likely benign. Last evaluated: 2024-07-01. Review status: criteria provided, single submitter. Criteria: CeGaT Center For Human Genetics Tuebingen Variant Classification Criteria Version 2. Collection method: clinical testing. Allele origin: germline. Affected: yes. Observed: 3 variant alleles.
Comment: DLK1: BP4, BP7

NM_003836.7(DLK1):c.744C>T (p.Arg248=)

Gene: DLK1 (delta like non-canonical Notch ligand 1; plus strand). Cytogenetic location: 14q32.2.
Variant type: single nucleotide variant.
Coding change: c.744C>T on transcript NM_003836.7 (MANE Select); coding-DNA position 744, C replaced by T.
Protein change: p.Arg248=; no amino-acid change (arginine 248 retained).
Molecular consequence: synonymous variant. On other transcripts: intron variant (1).
Genome position (GRCh38, 1-based): chr14:100,734,488, C>T. VCF-style: chr14-100734488-C-T. GRCh37 (hg19) VCF-style: chr14-101200825-C-T.
Other names: c.684+60C>T (NM_001317172.2).
Identifiers: ClinVar variation 2644536 (VCV002644536.24), dbSNP rs117014694, ClinGen allele CA7346705.